The following is an entry in ClinVar:

ClinVar aggregate classification (germline): Likely pathogenic (1 of 4 stars; one submission).

Conditions:
Bethlem myopathy 1B (BTHLM1B). Identifiers: MedGen C5935580, MONDO:0958233, OMIM 620725.
Ullrich congenital muscular dystrophy 1B (UCMD1B). Identifiers: MedGen C5935582, MONDO:0958235, OMIM 620727.
Myosclerosis. Also called: Myosclerosis, congenital; MYOPATHY, MYOSCLEROTIC; MYOSCLEROSIS, CONGENITAL, OF LOWENTHAL. Identifiers: Orphanet 289380, MedGen C1850671, MONDO:0009714, OMIM 255600.

Submission:

Juno Genomics, Hangzhou Juno Genomics, Inc
Classification: Likely pathogenic for Bethlem myopathy 1B; Ullrich congenital muscular dystrophy 1B; Myosclerosis. Review status: criteria provided, single submitter. Criteria: ACMG Guidelines, 2015. Collection method: clinical testing. Allele origin: germline.
Comment: Null variant in a gene where loss of function (LOF) is a known mechanism of disease.;Absent from controls (or at extremely low frequency if recessive) in Genome Aggregation Database.

NM_001849.4(COL6A2):c.1664dup (p.Glu556fs)

Gene: COL6A2 (collagen type VI alpha 2 chain; plus strand). Cytogenetic location: 21q22.3.
Variant type: Duplication.
Coding change: c.1664dup on transcript NM_001849.4 (MANE Select); coding-DNA position 1664, one base duplicated (G; older notation c.1664dupG).
Protein change: p.Glu556fs; shifts the reading frame from glutamic acid 556.
Molecular consequence: frameshift variant.
Genome position (GRCh38, 1-based): chr21:46,122,930, G duplicated; the last of 2 consecutive G bases (chr21:46,122,929-46,122,930); duplicating either gives the same sequence. VCF-style (leftmost placement, unchanged base first): chr21-46122928-A-AG. GRCh37 (hg19) VCF-style: chr21-47542842-A-AG.
Other names: c.1664dup, p.Glu556fs (NM_058174.3, NM_058175.3); short protein forms E556fs.
Identifiers: ClinVar variation 5006429 (VCV005006429.2).